The following is an entry in ClinVar:

NM_004006.3(DMD):c.8775G>C (p.Trp2925Cys)

Gene: DMD (dystrophin; minus strand). Cytogenetic location: Xp21.2.
Variant type: single nucleotide variant.
Coding change: c.8775G>C on transcript NM_004006.3 (MANE Select); coding-DNA position 8775, G replaced by C.
Protein change: p.Trp2925Cys; replaces tryptophan 2925 with cysteine.
Molecular consequence: missense variant.
Genome position (GRCh38, 1-based): chrX:31,478,268, C>G on the plus strand (G>C on the coding strand, the complement: DMD is on the minus strand). VCF-style: chrX-31478268-C-G. GRCh37 (hg19) VCF-style: chrX-31496385-C-G.
Other names: c.8751G>C, p.Trp2917Cys (NM_000109.4); c.8763G>C, p.Trp2921Cys (NM_004009.3); c.8406G>C, p.Trp2802Cys (NM_004010.3); c.4752G>C, p.Trp1584Cys (NM_004011.4); c.4743G>C, p.Trp1581Cys (NM_004012.4); c.1395G>C, p.Trp465Cys (NM_004013.3, NM_004020.4, NM_004021.3 and 2 more transcripts); c.588G>C, p.Trp196Cys (NM_004014.3); short protein forms W1584C, W2917C, W196C, W1581C, W2802C, W2921C, W2925C, W465C.
Identifiers: ClinVar variation 1764620 (VCV001764620.5), dbSNP rs868688877, ClinGen allele CA412654185.

ClinVar aggregate classification (germline): Uncertain significance. Review status: criteria provided, multiple submitters, no conflicts (2 of 4 stars). 2 submissions from 2 submitters: Uncertain significance (2). Last evaluated 2020-11-09.

Conditions:
Cardiovascular phenotype. Identifiers: MedGen CN230736.

Submissions (2):

Revvity Omics, Revvity
Classification: Uncertain significance. Last evaluated: 2020-11-09. Review status: criteria provided, single submitter. Criteria: ACMG Guidelines, 2015. Collection method: clinical testing. Allele origin: germline.

Ambry Genetics
Classification: Uncertain significance for Cardiovascular phenotype. Last evaluated: 2018-09-12. Review status: criteria provided, single submitter. Criteria: Ambry Variant Classification Scheme 2023. Collection method: clinical testing. Allele origin: germline.
Comment: The p.W2925C variant (also known as c.8775G>C), located in coding exon 59 of the DMD gene, results from a G to C substitution at nucleotide position 8775. The tryptophan at codon 2925 is replaced by cysteine, an amino acid with highly dissimilar properties. This amino acid position is highly conserved in available vertebrate species. In addition, this alteration is predicted to be deleterious by in silico analysis. Since supporting evidence is limited at this time, the clinical significance of this alteration remains unclear.